The following is an entry in ClinVar:

ClinVar aggregate classification (germline): Uncertain significance (1 of 4 stars; one submission).

Conditions:
Neuropathy, hereditary sensory, type 2C. Also called: KIF1A-Related HSAN2 (HSAN2C); Hereditary sensory and autonomic neuropathy type IIC. Identifiers: Orphanet 970, MedGen C3280168, MONDO:0013634, OMIM 614213.
Hereditary spastic paraplegia 30. Identifiers: Orphanet 101010, MedGen C5235139, MONDO:0012476.
Intellectual disability, autosomal dominant 9 (NESCAVS). Also called: KIF1A-Related Neurodevelopmental Disorder; NESCAV SYNDROME. Identifiers: Orphanet 662367, MedGen C5393830, MONDO:0013656, OMIM 614255.

Submission:

Labcorp Genetics (formerly Invitae), Labcorp
Classification: Uncertain significance for Hereditary spastic paraplegia 30; Neuropathy, hereditary sensory, type 2C; Intellectual disability, autosomal dominant 9. Last evaluated: 2024-07-03. Review status: criteria provided, single submitter. Criteria: Invitae Variant Classification Sherloc (09022015). Collection method: clinical testing. Allele origin: germline.
Comment: This sequence change replaces asparagine, which is neutral and polar, with tyrosine, which is neutral and polar, at codon 137 of the KIF1A protein (p.Asn137Tyr). This variant is not present in population databases (gnomAD no frequency). This variant has not been reported in the literature in individuals affected with KIF1A-related conditions. Advanced modeling of protein sequence and biophysical properties (such as structural, functional, and spatial information, amino acid conservation, physicochemical variation, residue mobility, and thermodynamic stability) performed at Invitae indicates that this missense variant is expected to disrupt KIF1A protein function with a positive predictive value of 95%. In summary, the available evidence is currently insufficient to determine the role of this variant in disease. Therefore, it has been classified as a Variant of Uncertain Significance.

NM_001244008.2(KIF1A):c.409A>T (p.Asn137Tyr)

Gene: KIF1A (kinesin family member 1A; minus strand). Cytogenetic location: 2q37.3.
Variant type: single nucleotide variant.
Coding change: c.409A>T on transcript NM_001244008.2 (MANE Select); coding-DNA position 409, A replaced by T.
Protein change: p.Asn137Tyr; replaces asparagine 137 with tyrosine.
Molecular consequence: missense variant.
Genome position (GRCh38, 1-based): chr2:240,787,271, T>A on the plus strand (A>T on the coding strand, the complement: KIF1A is on the minus strand). VCF-style: chr2-240787271-T-A. GRCh37 (hg19) VCF-style: chr2-241726688-T-A.
Other names: c.409A>T, p.Asn137Tyr (NM_001320705.2, NM_001330289.2, NM_001330290.2 and 20 more transcripts); short protein forms N137Y.
Identifiers: ClinVar variation 3753717 (VCV003753717.2).
Genomic context (GRCh38, chr2:240,787,271, plus strand): 5'-AGCCCTGCCCCAGCGGCCAACGGCAGGCGGGGAGCCCTACCTCCACGGAGTAGGACATGT[T>A]GTCGTTGGTCGTGTCGTTGATCCGAGAGAAGAGGTCCTCGCAGAGCTGCAGGAATGGGGG-3'
Protein context (NP_001230937.1, residues 127-147): FSRINDTTND[Asn137Tyr]MSYSVEVSYM